The following is an entry in ClinVar:

ClinVar aggregate classification (germline): Pathogenic (1 of 4 stars; one submission).

Conditions:
Marfan syndrome (MFS). Also called: MARFAN SYNDROME, TYPE I; Marfan syndrome type 1; Marfan's syndrome; Marfan syndrome, classic; FBN1-Related Marfan Syndrome. Identifiers: Orphanet 284963, Orphanet 558, MedGen C0024796, MONDO:0007947, OMIM 154700.
Familial thoracic aortic aneurysm and aortic dissection (TAAD). Also called: Thoracic aortic aneurysms and dissections. Identifiers: Orphanet 91387, MedGen C4707243, MONDO:0019625.

Submission:

Labcorp Genetics (formerly Invitae), Labcorp
Classification: Pathogenic for Marfan syndrome; Familial thoracic aortic aneurysm and aortic dissection. Last evaluated: 2023-12-14. Review status: criteria provided, single submitter. Criteria: Invitae Variant Classification Sherloc (09022015). Collection method: clinical testing. Allele origin: germline.
Comment: This sequence change creates a premature translational stop signal (p.Cys1674Serfs*12) in the FBN1 gene. It is expected to result in an absent or disrupted protein product. Loss-of-function variants in FBN1 are known to be pathogenic (PMID: 17657824, 19293843). This variant is not present in population databases (gnomAD no frequency). This variant has not been reported in the literature in individuals affected with FBN1-related conditions. For these reasons, this variant has been classified as Pathogenic.

Literature cited by the submitters: PubMed 17657824; PubMed 19293843.

NM_000138.5(FBN1):c.5021_5022del (p.Cys1674fs)

Gene: FBN1 (fibrillin 1; minus strand). Cytogenetic location: 15q21.1.
Variant type: Deletion.
Coding change: c.5021_5022del on transcript NM_000138.5 (MANE Select); coding-DNA positions 5021 to 5022, 2 bases deleted (GT; older notation c.5021_5022delGT).
Protein change: p.Cys1674fs; shifts the reading frame from cysteine 1674.
Molecular consequence: frameshift variant.
Genome position (GRCh38, 1-based): chr15:48,463,942-48,463,943, AC deleted on the plus strand (GT on the coding strand, the reverse complement: FBN1 is on the minus strand); deleting any 2 consecutive bases within chr15:48,463,942-48,463,944 gives the same sequence; the c. name uses the placement nearest the transcript's 3' end. VCF-style (leftmost placement, unchanged base first): chr15-48463941-GAC-G. GRCh37 (hg19) VCF-style: chr15-48756138-GAC-G.
Other names: c.5021_5022del, p.Cys1674fs (NM_001406716.1); short protein forms C1674fs.
Identifiers: ClinVar variation 2921410 (VCV002921410.3), dbSNP rs2505493243, ClinGen allele CA2740096581.